The following is an entry in ClinVar:

NM_002137.4(HNRNPA2B1):c.657T>C (p.Ser219=)

Gene: HNRNPA2B1 (heterogeneous nuclear ribonucleoprotein A2/B1; minus strand). Cytogenetic location: 7p15.2.
Variant type: single nucleotide variant.
Coding change: c.657T>C on transcript NM_002137.4 (MANE Select); coding-DNA position 657, T replaced by C.
Protein change: p.Ser219=; no amino-acid change (serine 219 retained).
Molecular consequence: synonymous variant.
Genome position (GRCh38, 1-based): chr7:26,196,402, A>G on the plus strand (T>C on the coding strand, the complement: HNRNPA2B1 is on the minus strand). VCF-style: chr7-26196402-A-G. GRCh37 (hg19) VCF-style: chr7-26236022-A-G.
Other names: p.Ser231=; c.693T>C, p.Ser231= (NM_031243.4).
Identifiers: ClinVar variation 662036 (VCV000662036.11), dbSNP rs370050080, ClinGen allele CA4194563.

ClinVar aggregate classification (germline): Conflicting classifications of pathogenicity. Review status: criteria provided, conflicting classifications (1 of 4 stars). 3 submissions from 3 submitters: Uncertain significance (1); Likely benign (1). 1 of the submissions does not count toward it. Last evaluated 2025-11-03.

Conditions:
Inclusion body myopathy with early-onset Paget disease with or without frontotemporal dementia 2 (IBMPFD2). Also called: MULTISYSTEM PROTEINOPATHY 2. Identifiers: MedGen C3809468, MONDO:0014178, OMIM 615422.
HNRNPA2B1-related disorder. Also called: HNRNPA2B1-related condition.

Allele frequency attached by ClinVar (database versions not stated): gnomAD exomes 0.00002 and 0.00005; ExAC 0.00005; ESP Exome Variant Server 0.00008; gnomAD 0.00019 and 0.00020; TOPMed 0.00022; 1000 Genomes Project 30x 0.00031.
gnomAD v4.1: 58 of 1,612,688 alleles (0.0036%); highest among the groups gnomAD compares: African/African-American, 0.069%; no homozygotes.

Submissions (3):

Labcorp Genetics (formerly Invitae), Labcorp
Classification: Uncertain significance for Inclusion body myopathy with early-onset Paget disease with or without frontotemporal dementia 2. Last evaluated: 2025-11-03. Review status: criteria provided, single submitter. Criteria: Invitae Variant Classification Sherloc (09022015). Collection method: clinical testing. Allele origin: germline.
Comment: This sequence change affects codon 231 of the HNRNPA2B1 mRNA. It is a 'silent' change, meaning that it does not change the encoded amino acid sequence of the HNRNPA2B1 protein. It affects a nucleotide within the consensus splice site. The frequency data for this variant in the population databases is considered unreliable, as metrics indicate poor data quality at this position in the gnomAD database. This variant has not been reported in the literature in individuals affected with HNRNPA2B1-related conditions. ClinVar contains an entry for this variant (Variation ID: 662036). Algorithms developed to predict the effect of sequence changes on RNA splicing suggest that this variant is not likely to affect RNA splicing. In summary, the available evidence is currently insufficient to determine the role of this variant in disease. Therefore, it has been classified as a Variant of Uncertain Significance.

Mayo Clinic Laboratories, Mayo Clinic
Classification: Likely benign. Last evaluated: 2025-04-23. Review status: criteria provided, single submitter. Criteria: ACMG Guidelines, 2015. Collection method: clinical testing. Allele origin: germline. Observed: 2 variant alleles.
Comment: BS2, BP4, BP7

PreventionGenetics, part of Exact Sciences
Classification: Likely benign for HNRNPA2B1-related condition. Last evaluated: 2024-05-08. Review status: no assertion criteria provided. Collection method: clinical testing. Allele origin: germline. Not counted in ClinVar's aggregate classification.
Comment: This variant is classified as likely benign based on ACMG/AMP sequence variant interpretation guidelines (Richards et al. 2015 PMID: 25741868, with internal and published modifications).